The following is an entry in ClinVar:

ClinVar aggregate classification (germline): Uncertain significance (1 of 4 stars; one submission).

Conditions:
Arrhythmogenic right ventricular dysplasia 8 (ARVD8). Also called: ARRHYTHMOGENIC RIGHT VENTRICULAR DYSPLASIA, FAMILIAL, 8; ARRHYTHMOGENIC RIGHT VENTRICULAR CARDIOMYOPATHY 8; Arrhythmogenic Right Ventricular Dysplasia/Cardiomyopathy 8. Identifiers: MedGen C1843896, MONDO:0011831, OMIM 607450.
Arrhythmogenic cardiomyopathy with wooly hair and keratoderma. Also called: Carvajal syndrome; Dilated cardiomyopathy with woolly hair and keratoderma; PALMOPLANTAR KERATODERMA WITH LEFT VENTRICULAR CARDIOMYOPATHY AND WOOLLY HAIR; Arrhythmogenic cardiomyopathy with woolly hair and keratoderma. Identifiers: Orphanet 65282, MedGen C1854063, MONDO:0011581, OMIM 605676.

Allele frequency attached by ClinVar (database versions not stated): gnomAD exomes below 0.00001.
gnomAD v4.1: 1 of 1,614,002 alleles (0.000062%); highest among the groups gnomAD compares: Non-Finnish European, 0.000085%; no homozygotes.

Submission:

Labcorp Genetics (formerly Invitae), Labcorp
Classification: Uncertain significance for Arrhythmogenic cardiomyopathy with wooly hair and keratoderma; Arrhythmogenic right ventricular dysplasia 8. Last evaluated: 2025-08-06. Review status: criteria provided, single submitter. Criteria: Invitae Variant Classification Sherloc (09022015). Collection method: clinical testing. Allele origin: germline.
Comment: This sequence change replaces alanine, which is neutral and non-polar, with valine, which is neutral and non-polar, at codon 1435 of the DSP protein (p.Ala1435Val). This variant is present in population databases (no rsID available, gnomAD 0.0009%). This variant has not been reported in the literature in individuals affected with DSP-related conditions. ClinVar contains an entry for this variant (Variation ID: 1389843). An algorithm developed to predict the effect of missense changes on protein structure and function outputs the following: PolyPhen-2: "Benign". The valine amino acid residue is found in multiple mammalian species, which suggests that this missense change does not adversely affect protein function. In summary, the available evidence is currently insufficient to determine the role of this variant in disease. Therefore, it has been classified as a Variant of Uncertain Significance.

NM_004415.4(DSP):c.4304C>T (p.Ala1435Val)

Gene: DSP (desmoplakin; plus strand). Cytogenetic location: 6p24.3.
Variant type: single nucleotide variant.
Coding change: c.4304C>T on transcript NM_004415.4 (MANE Select); coding-DNA position 4304, C replaced by T.
Protein change: p.Ala1435Val; replaces alanine 1435 with valine.
Molecular consequence: missense variant. On other transcripts: intron variant (2).
Genome position (GRCh38, 1-based): chr6:7,580,494, C>T. VCF-style: chr6-7580494-C-T. GRCh37 (hg19) VCF-style: chr6-7580727-C-T.
Other names: c.4050+254C>T (NM_001319034.2); c.3582+722C>T (NM_001008844.3); short protein forms A1435V.
Identifiers: ClinVar variation 1389843 (VCV001389843.6), dbSNP rs1164622831, ClinGen allele CA362686013.